The following is an entry in ClinVar:

NM_001378454.1(ALMS1):c.9738ATC[1] (p.Ser3249del)

Gene: ALMS1 (ALMS1 centrosome and basal body associated protein; plus strand). Cytogenetic location: 2p13.1.
Variant type: Microsatellite.
Coding change: c.9738ATC[1] on transcript NM_001378454.1 (MANE Select); one copy of the 3-base unit ATC starting at c.9738; the reference has two copies in a row; one copy, 3 bases deleted.
Protein change: p.Ser3249del; deletes serine 3249.
Molecular consequence: inframe deletion.
Genome position (GRCh38, 1-based): chr2:73,519,976-73,519,978, ATC deleted; deleting any 3 consecutive bases within chr2:73,519,971-73,519,978 gives the same sequence; the position shown is the placement nearest the transcript's 3' end. VCF-style (leftmost placement, unchanged base first): chr2-73519970-CTCA-C. GRCh37 (hg19) VCF-style: chr2-73747097-CTCA-C.
Other names: c.9741ATC[1], p.Ser3250del (NM_015120.4); c.9744_9746delATC (NM_015120.4); short protein forms S3249del, S3250del.
Identifiers: ClinVar variation 1768060 (VCV001768060.7), dbSNP rs2466303944, ClinGen allele CA2580611663.

ClinVar aggregate classification (germline): Uncertain significance. Review status: criteria provided, multiple submitters, no conflicts (2 of 4 stars). 2 submissions from 2 submitters: Uncertain significance (2). Last evaluated 2022-03-11.

Conditions:
Alstrom syndrome (ALMS). Identifiers: Orphanet 64, MedGen C0268425, MONDO:0008763, OMIM 203800.
Cardiovascular phenotype. Identifiers: MedGen CN230736.

Submissions (2):

Labcorp Genetics (formerly Invitae), Labcorp
Classification: Uncertain significance for Alstrom syndrome. Last evaluated: 2022-03-11. Review status: criteria provided, single submitter. Criteria: Invitae Variant Classification Sherloc (09022015). Collection method: clinical testing. Allele origin: germline.
Comment: In summary, the available evidence is currently insufficient to determine the role of this variant in disease. Therefore, it has been classified as a Variant of Uncertain Significance. Experimental studies and prediction algorithms are not available or were not evaluated, and the functional significance of this variant is currently unknown. This variant has not been reported in the literature in individuals affected with ALMS1-related conditions. This variant is not present in population databases (gnomAD no frequency). This variant, c.9744_9746del, results in the deletion of 1 amino acid(s) of the ALMS1 protein (p.Ser3250del), but otherwise preserves the integrity of the reading frame.

Ambry Genetics
Classification: Uncertain significance for Cardiovascular phenotype. Last evaluated: 2020-12-09. Review status: criteria provided, single submitter. Criteria: Ambry Variant Classification Scheme 2023. Collection method: clinical testing. Allele origin: germline.
Comment: The c.9744_9746delATC variant (also known as p.S3250del) is located in coding exon 11 of the ALMS1 gene. This variant results from an in-frame ATC deletion at nucleotide positions 9744 to 9746. This results in the in-frame deletion of a serine at codon 3250. This amino acid position is not well conserved in available vertebrate species. In addition, this alteration is predicted to be deleterious by in silico analysis (Choi Y et al. PLoS ONE. 2012; 7(10):e46688). Since supporting evidence is limited at this time, the clinical significance of this alteration remains unclear.